The following is an entry in ClinVar:

NM_004817.4(TJP2):c.2881-2A>G

Gene: TJP2 (tight junction protein 2; plus strand). Cytogenetic location: 9q21.11.
Variant type: single nucleotide variant.
Coding change: c.2881-2A>G on transcript NM_004817.4 (MANE Select); the canonical splice acceptor site of the intron before coding-DNA position 2881, A replaced by G.
Molecular consequence: splice acceptor variant. On other transcripts: intron variant (6).
Genome position (GRCh38, 1-based): chr9:69,249,373, A>G. VCF-style: chr9-69249373-A-G. GRCh37 (hg19) VCF-style: chr9-71864289-A-G.
Other names: c.2811+1149A>G (NM_001170414.2); c.2806-2A>G (NM_001369870.1); c.2880+1149A>G (NM_001369872.1, NM_201629.3); c.2668-1662A>G (NM_001369873.1); c.2892+1149A>G (NM_001170415.1, NM_001369874.1); c.2974-2A>G (NM_001170416.2); c.2893-2A>G (NM_001369875.1); c.2812-2A>G (NM_001369871.1).
Identifiers: ClinVar variation 2879284 (VCV002879284.3), dbSNP rs1831161564, ClinGen allele CA373539286.

ClinVar aggregate classification (germline): Likely pathogenic (1 of 4 stars; one submission).

Allele frequency attached by ClinVar (database versions not stated): gnomAD exomes below 0.00001; TOPMed below 0.00001.
gnomAD v4.1: 1 of 1,606,324 alleles (0.000062%); highest among the groups gnomAD compares: South Asian, 0.0011%; no homozygotes.

Submission:

Labcorp Genetics (formerly Invitae), Labcorp
Classification: Likely pathogenic. Last evaluated: 2024-01-05. Review status: criteria provided, single submitter. Criteria: Invitae Variant Classification Sherloc (09022015). Collection method: clinical testing. Allele origin: germline.
Comment: This sequence change affects an acceptor splice site in intron 19 of the TJP2 gene. It is expected to disrupt RNA splicing. Variants that disrupt the donor or acceptor splice site typically lead to a loss of protein function (PMID: 16199547), and loss-of-function variants in TJP2 are known to be pathogenic (PMID: 24614073, 25921221, 28039895). This variant is not present in population databases (gnomAD no frequency). This variant has not been reported in the literature in individuals affected with TJP2-related conditions. Algorithms developed to predict the effect of sequence changes on RNA splicing suggest that this variant may disrupt the consensus splice site. In summary, the currently available evidence indicates that the variant is pathogenic, but additional data are needed to prove that conclusively. Therefore, this variant has been classified as Likely Pathogenic.

Literature cited by the submitters: PubMed 16199547; PubMed 24614073; PubMed 25921221; PubMed 28039895.